The following is an entry in ClinVar:

ClinVar aggregate classification (germline): Uncertain significance (1 of 4 stars; one submission).

Conditions:
Charcot-Marie-Tooth disease type 2. Also called: Charcot-Marie-Tooth type 2. Identifiers: Orphanet 64746, MedGen C0270914, MONDO:0018993.

Allele frequency attached by ClinVar (database versions not stated): gnomAD exomes below 0.00001.
gnomAD v4.1: 1 of 1,609,786 alleles (0.000062%); highest among the groups gnomAD compares: Non-Finnish European, 0.000085%; no homozygotes.

Submission:

Labcorp Genetics (formerly Invitae), Labcorp
Classification: Uncertain significance for Charcot-Marie-Tooth disease type 2. Last evaluated: 2022-03-18. Review status: criteria provided, single submitter. Criteria: Invitae Variant Classification Sherloc (09022015). Collection method: clinical testing. Allele origin: germline.
Comment: This sequence change replaces leucine, which is neutral and non-polar, with phenylalanine, which is neutral and non-polar, at codon 585 of the MED25 protein (p.Leu585Phe). This variant is not present in population databases (gnomAD no frequency). This variant has not been reported in the literature in individuals affected with MED25-related conditions. Algorithms developed to predict the effect of missense changes on protein structure and function are either unavailable or do not agree on the potential impact of this missense change (SIFT: "Tolerated"; PolyPhen-2: "Possibly Damaging"; Align-GVGD: "Class C0"). In summary, the available evidence is currently insufficient to determine the role of this variant in disease. Therefore, it has been classified as a Variant of Uncertain Significance.

NM_030973.4(MED25):c.1753C>T (p.Leu585Phe)

Gene: MED25 (mediator complex subunit 25; plus strand). Cytogenetic location: 19q13.33.
Variant type: single nucleotide variant.
Coding change: c.1753C>T on transcript NM_030973.4 (MANE Select); coding-DNA position 1753, C replaced by T.
Protein change: p.Leu585Phe; replaces leucine 585 with phenylalanine.
Molecular consequence: missense variant.
Genome position (GRCh38, 1-based): chr19:49,835,733, C>T. VCF-style: chr19-49835733-C-T. GRCh37 (hg19) VCF-style: chr19-50338990-C-T.
Other names: c.1753C>T, p.Leu585Phe (NM_001378355.1); short protein forms L585F.
Identifiers: ClinVar variation 2019780 (VCV002019780.4), dbSNP rs2514520575, ClinGen allele CA406919775.